The following is an entry in ClinVar:

ClinVar aggregate classification (germline): Uncertain significance (1 of 4 stars; one submission).

Conditions:
Familial hypercholesterolemia. Also called: Familial hypercholesterolaemia. Identifiers: MedGen C0020445, MONDO:0005439.

gnomAD v4.1: 1 of 1,613,352 alleles (0.000062%); highest among the groups gnomAD compares: African/African-American, 0.0013%; no homozygotes.

Submission:

Cambridge Genomics Laboratory, East Genomic Laboratory Hub, NHS Genomic Medicine Service
Classification: Uncertain significance for Familial hypercholesterolaemia. Last evaluated: 2025-12-29. Review status: criteria provided, single submitter. Criteria: ACGS Best Practice Guidelines for Variant Classification in Rare Disease 2020. Collection method: clinical testing. Allele origin: germline. Affected: yes.
Comment: PM2_Supporting,PP4

NM_000384.3(APOB):c.7174A>G (p.Lys2392Glu)

Gene: APOB (apolipoprotein B; minus strand). Cytogenetic location: 2p24.1.
Variant type: single nucleotide variant.
Coding change: c.7174A>G on transcript NM_000384.3 (MANE Select); coding-DNA position 7174, A replaced by G.
Protein change: p.Lys2392Glu; replaces lysine 2392 with glutamic acid.
Molecular consequence: missense variant.
Genome position (GRCh38, 1-based): chr2:21,009,694, T>C on the plus strand (A>G on the coding strand, the complement: APOB is on the minus strand). VCF-style: chr2-21009694-T-C. GRCh37 (hg19) VCF-style: chr2-21232566-T-C.
Other names: short protein forms K2392E.
Identifiers: ClinVar variation 4540632 (VCV004540632.1).
Genomic context (GRCh38, chr2:21,009,694, plus strand): 5'-ATGTTTTAAAAGATAATTCATTAAGCTTCTTGACAGCATCATCAATAAATCCAACCAATT[T>C]CTCAAAGTAATCTTTTATCTTAACTTGTTGTAGGACATTGCTTAGCTTCTGAATAGTCTC-3'
Protein context (NP_000375.3, residues 2382-2402): QQVKIKDYFE[Lys2392Glu]LVGFIDDAVK